The following is an entry in ClinVar:

ClinVar aggregate classification (germline): Likely benign. Review status: criteria provided, single submitter (1 of 4 stars). 2 submissions from 2 submitters: Likely benign (1). 1 of the submissions does not count toward it. Last evaluated 2025-10-29.

Conditions:
PCNT-related disorder. Also called: PCNT-related condition.

Allele frequency attached by ClinVar (database versions not stated): gnomAD exomes 0.00002; TOPMed 0.00002; gnomAD 0.00002.
gnomAD v4.1: 32 of 1,611,050 alleles (0.002%); highest among the groups gnomAD compares: Middle Eastern, 0.016%; no homozygotes.

Submissions (2):

Labcorp Genetics (formerly Invitae), Labcorp
Classification: Likely benign. Last evaluated: 2025-10-29. Review status: criteria provided, single submitter. Criteria: Invitae Variant Classification Sherloc (09022015). Collection method: clinical testing. Allele origin: germline.

PreventionGenetics, part of Exact Sciences
Classification: Likely benign for PCNT-related condition. Last evaluated: 2024-07-11. Review status: no assertion criteria provided. Collection method: clinical testing. Allele origin: germline. Not counted in ClinVar's aggregate classification.
Comment: This variant is classified as likely benign based on ACMG/AMP sequence variant interpretation guidelines (Richards et al. 2015 PMID: 25741868, with internal and published modifications).

NM_006031.6(PCNT):c.2142C>T (p.Asp714=)

Gene: PCNT (pericentrin; plus strand). Cytogenetic location: 21q22.3.
Variant type: single nucleotide variant.
Coding change: c.2142C>T on transcript NM_006031.6 (MANE Select); coding-DNA position 2142, C replaced by T.
Protein change: p.Asp714=; no amino-acid change (aspartic acid 714 retained).
Molecular consequence: synonymous variant.
Genome position (GRCh38, 1-based): chr21:46,357,179, C>T. VCF-style: chr21-46357179-C-T. GRCh37 (hg19) VCF-style: chr21-47777094-C-T.
Other names: c.1788C>T, p.Asp596= (NM_001315529.2); c.2142C>T (NM_006031.5).
Identifiers: ClinVar variation 2907695 (VCV002907695.4), dbSNP rs878901647, ClinGen allele CA322000637.
Genomic context (GRCh38, chr21:46,357,179, plus strand): 5'-CCTAAAAATAGAAAATAGAAATTTGTATGGGAAGTTGCAGCATGAAACTCGTCTGAAGGA[C>T]GATTTGGAGAAGGTGAGTCGTGACTCCACAGCCCAGCGCCTCCCGCCCGAGTCCTTGCTC-3'
Protein context (NP_006022.3, residues 704-724): GKLQHETRLK[Asp714=]DLEKVKHNLI